The following is an entry in ClinVar:

NM_001035.3(RYR2):c.7558C>A (p.Leu2520Ile)

Gene: RYR2 (ryanodine receptor 2; plus strand). Cytogenetic location: 1q43.
Variant type: single nucleotide variant.
Coding change: c.7558C>A on transcript NM_001035.3 (MANE Select); coding-DNA position 7558, C replaced by A.
Protein change: p.Leu2520Ile; replaces leucine 2520 with isoleucine.
Molecular consequence: missense variant.
Genome position (GRCh38, 1-based): chr1:237,649,922, C>A. VCF-style: chr1-237649922-C-A. GRCh37 (hg19) VCF-style: chr1-237813222-C-A.
Other names: c.7558C>A, p.Leu2520Ile (LRG_402t1); short protein forms L2520I.
Identifiers: ClinVar variation 404182 (VCV000404182.50), dbSNP rs1060500136, ClinGen allele CA16610041.

ClinVar aggregate classification (germline): Uncertain significance. Review status: criteria provided, multiple submitters, no conflicts (2 of 4 stars). 4 submissions from 4 submitters: Uncertain significance (4). Last evaluated 2025-08-11.

Conditions:
Cardiovascular phenotype. Identifiers: MedGen CN230736.
Catecholaminergic polymorphic ventricular tachycardia (CVPT). Also called: Catecholamine-induced polymorphic ventricular tachycardia. Identifiers: Orphanet 3286, MedGen C5574922, MONDO:0017990.
Cardiomyopathy (CMYO). Also called: Cardiomyopathies. Identifiers: Orphanet 167848, MedGen C0878544, MONDO:0004994, HP:0001638. Inheritance: Various modes of inheritance.
Catecholaminergic polymorphic ventricular tachycardia 1. Also called: VENTRICULAR TACHYCARDIA, CATECHOLAMINERGIC POLYMORPHIC, 1, WITH OR WITHOUT ATRIAL DYSFUNCTION AND/OR DILATED CARDIOMYOPATHY; RYR2-Related Catecholaminergic Polymorphic Ventricular Tachycardia; VENTRICULAR TACHYCARDIA, STRESS-INDUCED POLYMORPHIC 1. Identifiers: Orphanet 3286, MedGen C1631597, MONDO:0011484, OMIM 604772.

Submissions (4):

Labcorp Genetics (formerly Invitae), Labcorp
Classification: Uncertain significance for Catecholaminergic polymorphic ventricular tachycardia 1. Last evaluated: 2025-08-11. Review status: criteria provided, single submitter. Criteria: Invitae Variant Classification Sherloc (09022015). Collection method: clinical testing. Allele origin: germline.
Comment: This sequence change replaces leucine, which is neutral and non-polar, with isoleucine, which is neutral and non-polar, at codon 2520 of the RYR2 protein (p.Leu2520Ile). This variant is not present in population databases (gnomAD no frequency). This missense change has been observed in individual(s) with RYR2-related conditions (PMID: 25650408). ClinVar contains an entry for this variant (Variation ID: 404182). Invitae Evidence Modeling of protein sequence and biophysical properties (such as structural, functional, and spatial information, amino acid conservation, physicochemical variation, residue mobility, and thermodynamic stability) indicates that this missense variant is not expected to disrupt RYR2 protein function with a negative predictive value of 95%. In summary, the available evidence is currently insufficient to determine the role of this variant in disease. Therefore, it has been classified as a Variant of Uncertain Significance.

All of Us Research Program, National Institutes of Health
Classification: Uncertain significance for Catecholaminergic polymorphic ventricular tachycardia. Last evaluated: 2023-05-31. Review status: criteria provided, single submitter. Criteria: ACMG Guidelines, 2015. Collection method: clinical testing. Allele origin: germline. Inheritance: Autosomal dominant inheritance. Observed: 1 variant allele, 1 heterozygote.
Comment: This study involves interpretation of variants in research participants for the purpose of population health screening. Participant phenotype was not available at the time of variant classification. Additional details can be found in publication PMID: 35346344, PMCID: PMC8962531

Ambry Genetics
Classification: Uncertain significance for Cardiovascular phenotype. Last evaluated: 2022-02-01. Review status: criteria provided, single submitter. Criteria: Ambry Variant Classification Scheme 2023. Collection method: clinical testing. Allele origin: germline.
Comment: The p.L2520I variant (also known as c.7558C>A), located in coding exon 50 of the RYR2 gene, results from a C to A substitution at nucleotide position 7558. The leucine at codon 2520 is replaced by isoleucine, an amino acid with highly similar properties. This alteration has been reported in a Brugada syndrome cohort (Le Scouarnec S et al. Hum Mol Genet, 2015 May;24:2757-63). This amino acid position is highly conserved in available vertebrate species. In addition, this alteration is predicted to be tolerated by in silico analysis. Since supporting evidence is limited at this time, the clinical significance of this alteration remains unclear.

Color Diagnostics, LLC DBA Color Health
Classification: Uncertain significance for Cardiomyopathy. Last evaluated: 2018-11-13. Review status: criteria provided, single submitter. Criteria: ACMG Guidelines, 2015. Collection method: clinical testing. Allele origin: germline.

Literature cited by the submitters: PubMed 25650408 (cited by Labcorp Genetics (formerly Invitae), Labcorp and Ambry Genetics).